The following is an entry in ClinVar:

ClinVar aggregate classification (germline): Uncertain significance. Review status: criteria provided, multiple submitters, no conflicts (2 of 4 stars). 3 submissions from 3 submitters: Uncertain significance (3). Last evaluated 2024-04-16.

Conditions:
Hereditary cancer-predisposing syndrome. Also called: Tumor predisposition; Neoplastic Syndromes, Hereditary; Hereditary Cancer Syndrome; Hereditary neoplastic syndrome. Identifiers: Orphanet 140162, MedGen C0027672, MeSH D009386, MONDO:0015356.
Ataxia-telangiectasia syndrome (AT). Also called: ATAXIA-TELANGIECTASIA, COMPLEMENTATION GROUP A; ATAXIA-TELANGIECTASIA, FRESNO VARIANT; LOUIS-BAR SYNDROME; Ataxia telangiectasia (A-T); Cerebello-oculocutaneous telangiectasia; Immunodeficiency with ataxia telangiectasia. Identifiers: Orphanet 100, MedGen C0004135, MONDO:0008840, OMIM 208900.

Submissions (3):

Labcorp Genetics (formerly Invitae), Labcorp
Classification: Uncertain significance for Ataxia-telangiectasia syndrome. Last evaluated: 2024-04-16. Review status: criteria provided, single submitter. Criteria: Invitae Variant Classification Sherloc (09022015). Collection method: clinical testing. Allele origin: germline.
Comment: This sequence change replaces leucine, which is neutral and non-polar, with phenylalanine, which is neutral and non-polar, at codon 1408 of the ATM protein (p.Leu1408Phe). This variant is not present in population databases (gnomAD no frequency). This variant has not been reported in the literature in individuals affected with ATM-related conditions. ClinVar contains an entry for this variant (Variation ID: 627697). An algorithm developed to predict the effect of missense changes on protein structure and function (PolyPhen-2) suggests that this variant is likely to be disruptive. In summary, the available evidence is currently insufficient to determine the role of this variant in disease. Therefore, it has been classified as a Variant of Uncertain Significance.

Color Diagnostics, LLC DBA Color Health
Classification: Uncertain significance for Hereditary cancer-predisposing syndrome. Last evaluated: 2022-04-05. Review status: criteria provided, single submitter. Criteria: ACMG Guidelines, 2015. Collection method: clinical testing. Allele origin: germline.
Comment: This missense variant replaces leucine with phenylalanine at codon 1408 of the ATM protein. Computational prediction suggests that this variant may not impact protein structure and function (internally defined REVEL score threshold <= 0.5, PMID: 27666373). To our knowledge, functional studies have not been reported for this variant. This variant has not been reported in individuals affected with hereditary cancer in the literature. This variant has not been identified in the general population by the Genome Aggregation Database (gnomAD). The available evidence is insufficient to determine the role of this variant in disease conclusively. Therefore, this variant is classified as a Variant of Uncertain Significance.

Ambry Genetics
Classification: Uncertain significance for Hereditary cancer-predisposing syndrome. Last evaluated: 2019-04-22. Review status: criteria provided, single submitter. Criteria: Ambry Variant Classification Scheme 2023. Collection method: clinical testing. Allele origin: germline.
Comment: The p.L1408F variant (also known as c.4222C>T), located in coding exon 27 of the ATM gene, results from a C to T substitution at nucleotide position 4222. The leucine at codon 1408 is replaced by phenylalanine, an amino acid with highly similar properties. This amino acid position is highly conserved in available vertebrate species. In addition, the in silico prediction for this alteration is inconclusive. Since supporting evidence is limited at this time, the clinical significance of this alteration remains unclear.

NM_000051.4(ATM):c.4222C>T (p.Leu1408Phe)

Gene: ATM (ATM serine/threonine kinase; plus strand). Cytogenetic location: 11q22.3.
Variant type: single nucleotide variant.
Coding change: c.4222C>T on transcript NM_000051.4 (MANE Select); coding-DNA position 4222, C replaced by T.
Protein change: p.Leu1408Phe; replaces leucine 1408 with phenylalanine.
Molecular consequence: missense variant.
Genome position (GRCh38, 1-based): chr11:108,289,089, C>T. VCF-style: chr11-108289089-C-T. GRCh37 (hg19) VCF-style: chr11-108159816-C-T.
Other names: c.4222C>T, p.Leu1408Phe (NM_001351834.2); short protein forms L1408F.
Identifiers: ClinVar variation 627697 (VCV000627697.16), dbSNP rs1565455224, ClinGen allele CA382530589.